The following is an entry in ClinVar:

ClinVar aggregate classification (germline): Benign/Likely benign. Review status: criteria provided, multiple submitters, no conflicts (2 of 4 stars). 4 submissions from 4 submitters: Benign (1); Likely benign (3). Last evaluated 2026-04-20.

Conditions:
DICER1-related tumor predisposition. Also called: DICER1-related pleuropulmonary blastoma cancer predisposition syndrome; DICER1 syndrome. Identifiers: Orphanet 284343, MedGen C3839822, MONDO:0100216.
Hereditary cancer-predisposing syndrome. Also called: Neoplastic Syndromes, Hereditary; Tumor predisposition; Hereditary neoplastic syndrome; Hereditary Cancer Syndrome. Identifiers: Orphanet 140162, MedGen C0027672, MeSH D009386, MONDO:0015356.

gnomAD v4.1: 67 of 1,614,040 alleles (0.0042%); highest among the groups gnomAD compares: Non-Finnish European, 0.0055%; no homozygotes.

Submissions (4):

Myriad Genetics, Inc.
Classification: Benign for DICER1-related tumor predisposition. Last evaluated: 2026-04-20. Review status: criteria provided, single submitter. Criteria: Myriad Autosomal Dominant, Autosomal Recessive and X-Linked Classification Criteria (2023). Collection method: clinical testing. Allele origin: unknown.
Comment: This variant is considered benign. This variant is a silent/synonymous amino acid change and it is not expected to impact splicing.

Labcorp Genetics (formerly Invitae), Labcorp
Classification: Likely benign for DICER1-related tumor predisposition. Last evaluated: 2025-12-13. Review status: criteria provided, single submitter. Criteria: Invitae Variant Classification Sherloc (09022015). Collection method: clinical testing. Allele origin: germline.

CeGaT Center for Human Genetics Tuebingen
Classification: Likely benign. Last evaluated: 2024-11-01. Review status: criteria provided, single submitter. Criteria: CeGaT Center For Human Genetics Tuebingen Variant Classification Criteria Version 2. Collection method: clinical testing. Allele origin: germline. Affected: yes. Observed: 1 variant allele.
Comment: DICER1: BP4, BP7

Ambry Genetics
Classification: Likely benign for Hereditary cancer-predisposing syndrome. Last evaluated: 2018-02-21. Review status: criteria provided, single submitter. Criteria: Ambry Variant Classification Scheme 2023. Collection method: clinical testing. Allele origin: germline.

NM_177438.3(DICER1):c.4776G>T (p.Pro1592=)

Gene: DICER1 (dicer 1, ribonuclease III; minus strand). Cytogenetic location: 14q32.13.
Variant type: single nucleotide variant.
Coding change: c.4776G>T on transcript NM_177438.3 (MANE Select); coding-DNA position 4776, G replaced by T.
Protein change: p.Pro1592=; no amino-acid change (proline 1592 retained).
Molecular consequence: synonymous variant.
Genome position (GRCh38, 1-based): chr14:95,096,144, C>A on the plus strand (G>T on the coding strand, the complement: DICER1 is on the minus strand). VCF-style: chr14-95096144-C-A. GRCh37 (hg19) VCF-style: chr14-95562481-C-A.
Other names: c.4776G>T, p.Pro1592= (NM_001195573.1, NM_001271282.3, NM_001291628.2 and 1 more transcripts).
Identifiers: ClinVar variation 700738 (VCV000700738.30), dbSNP rs781007779, ClinGen allele CA487844216.